The following is an entry in ClinVar:

NM_001267550.2(TTN):c.75527G>A (p.Arg25176His)

Genes: TTN (titin; minus strand), TTN-AS1 (TTN antisense RNA 1; plus strand). Cytogenetic location: 2q31.2.
Variant type: single nucleotide variant.
Coding change: c.75527G>A on transcript NM_001267550.2 (MANE Select); coding-DNA position 75527, G replaced by A.
Protein change: p.Arg25176His; replaces arginine 25176 with histidine.
Molecular consequence: missense variant.
Genome position (GRCh38, 1-based): chr2:178,570,605, C>T on the plus strand (G>A on the coding strand, the complement: TTN is on the minus strand). VCF-style: chr2-178570605-C-T. GRCh37 (hg19) VCF-style: chr2-179435332-C-T.
Other names: c.70604G>A, p.Arg23535His (NM_001256850.1); c.48332G>A, p.Arg16111His (NM_003319.4); c.67823G>A, p.Arg22608His (NM_133378.4); c.48707G>A, p.Arg16236His (NM_133432.3); c.48908G>A, p.Arg16303His (NM_133437.4); short protein forms R23535H, R25176H, R22608H, R16111H, R16236H, R16303H.
Identifiers: ClinVar variation 284466 (VCV000284466.68), dbSNP rs375693396, ClinGen allele CA1990033.

ClinVar aggregate classification (germline): Conflicting classifications of pathogenicity. Review status: criteria provided, conflicting classifications (1 of 4 stars). 12 submissions from 12 submitters: Uncertain significance (9); Likely benign (3). Last evaluated 2026-06-30.

Conditions:
TTN-related disorder. Also called: TTN-related disorders; TTN-related condition; TTN-related disease.
Cardiovascular phenotype. Identifiers: MedGen CN230736.
Autosomal recessive limb-girdle muscular dystrophy type 2J (LGMDR10). Also called: MUSCULAR DYSTROPHY, LIMB-GIRDLE, AUTOSOMAL RECESSIVE 10; Limb-girdle muscular dystrophy, type 2J. Identifiers: Orphanet 140922, MedGen C1837342, MONDO:0012127, OMIM 608807.
Dilated cardiomyopathy 1G (CMD1G). Identifiers: Orphanet 154, MedGen C1858763, MONDO:0011400, OMIM 604145.
Early-onset myopathy with fatal cardiomyopathy (CMYO5). Also called: Salih Myopathy; CONGENITAL MYOPATHY 5 WITH CARDIOMYOPATHY. Identifiers: Orphanet 289377, MedGen C2673677, MONDO:0012714, OMIM 611705. Disease mechanism: loss of function.
Hypertrophic cardiomyopathy 9. Also called: Familial hypertrophic cardiomyopathy 9. Identifiers: MedGen C1861065, MONDO:0013412, OMIM 613765.
Myopathy, myofibrillar, 9, with early respiratory failure (MFM9). Also called: Myopathy, distal, with early respiratory failure, autosomal dominant; Hereditary myopathy with early respiratory failure; EDSTROM MYOPATHY; MYOPATHY, PROXIMAL, WITH EARLY RESPIRATORY MUSCLE INVOLVEMENT. Identifiers: Orphanet 178464, Orphanet 34521, MedGen C1863599, MONDO:0011362, OMIM 603689.
Tibial muscular dystrophy (TMD). Also called: UDD MYOPATHY; Tibial muscular dystrophy, tardive; Udd Distal Myopathy – Tibial Muscular Dystrophy. Identifiers: Orphanet 609, MedGen C1838244, MONDO:0010870, OMIM 600334.

Allele frequency attached by ClinVar (database versions not stated): ExAC 0.00008; ESP Exome Variant Server 0.00008; 1000 Genomes Project 0.00020; 1000 Genomes Project 30x 0.00031; gnomAD exomes 0.00011 and 0.00012; TOPMed 0.00011; gnomAD 0.00013.
gnomAD v4.1: 195 of 1,613,416 alleles (0.012%); highest among the groups gnomAD compares: Admixed American, 0.023%; no homozygotes.

Submissions (12):

PreventionGenetics, part of Exact Sciences
Classification: Uncertain significance for TTN-related condition. Last evaluated: 2026-06-30. Review status: criteria provided, single submitter. Criteria: ACMG Guidelines, 2015. Collection method: clinical testing. Allele origin: germline.
Comment: The TTN c.75527G>A variant is predicted to result in the amino acid substitution p.Arg25176His. This variant was observed in an individual with dilated cardiomyopathy (Table S3, Mazzarotto et al. 2020. PubMed ID: 31983221). This variant is reported in 0.023% of alleles in individuals of Latino descent in gnomAD. Although we suspect that this variant may be benign, at this time, the clinical significance of this variant is uncertain due to the absence of conclusive functional and genetic evidence.

Women's Health and Genetics/Laboratory Corporation of America, LabCorp
Classification: Uncertain significance. Last evaluated: 2025-12-29. Review status: criteria provided, single submitter. Criteria: LabCorp Variant Classification Summary - May 2015. Collection method: clinical testing. Allele origin: germline.
Comment: Variant summary: TTN c.67823G>A (p.Arg22608His) results in a non-conservative amino acid change located in the A-band of the encoded protein sequence. Algorithms developed to predict the effect of missense changes on protein structure and function are either unavailable or do not agree on the potential impact of this missense change. The variant allele was found at a frequency of 0.00011 in 248354 control chromosomes. This frequency is not significantly higher than estimated for disease-causing variants in TTN, allowing no conclusion about variant significance. c.67823G>A has been reported in the literature in an individual affected with Dilated Cardiomyopathy (Mazzarotto_2020). This report does not provide unequivocal conclusions about association of the variant with Dilated Cardiomyopathy. To our knowledge, no experimental evidence demonstrating an impact on protein function has been reported. The following publication has been ascertained in the context of this evaluation (PMID: 31983221). The following publications have been ascertained in the context of this evaluation (PMID: 31983221, 24755471). ClinVar contains an entry for this variant (Variation ID: 284466). Based on the evidence outlined above, the variant was classified as uncertain significance.

Blueprint Genetics
Classification: Likely benign. Last evaluated: 2024-11-01. Review status: criteria provided, single submitter. Criteria: ACMG Guidelines, 2015. Collection method: clinical testing. Allele origin: germline.

ARUP Laboratories, Molecular Genetics and Genomics, ARUP Laboratories
Classification: Uncertain significance. Last evaluated: 2023-10-11. Review status: criteria provided, single submitter. Criteria: ARUP Molecular Germline Variant Investigation Process 2024. Collection method: clinical testing. Allele origin: germline.
Comment: The TTN c.75527G>A; p.Arg25176His variant (rs375693396; ClinVar Variation ID: 284466) is rare in the general population (<1% allele frequency in the Genome Aggregation Database) and has not been reported in the medical literature in association with dilated cardiomyopathy (DCM) or other TTN-related disease. The clinical relevance of rare missense variants in this gene, which are identified on average once per individual sequenced in affected populations (Herman 2012), is not well understood. Yet, evidence suggests that the vast majority of such missense variants do not contribute to the clinical outcome of DCM (Begay 2015). Thus, the clinical significance of the p.Arg25176His variant cannot be determined with certainty. References: Begay RL et al. Role of Titin Missense Variants in Dilated Cardiomyopathy. J Am Heart Assoc. 2015 Nov 13;4(11). Herman DS et al. Truncations of titin causing dilated cardiomyopathy. N Engl J Med. 2012 Feb 16;366(7):619-28. Linke and Hamdani. Gigantic business: titin properties and function through thick and thin. Circ Res 2014; 114(6): 1052-1068.

Revvity Omics, Revvity
Classification: Uncertain significance. Last evaluated: 2022-11-22. Review status: criteria provided, single submitter. Criteria: ACMG Guidelines, 2015. Collection method: clinical testing. Allele origin: germline.

Mayo Clinic Laboratories, Mayo Clinic
Classification: Uncertain significance. Last evaluated: 2021-02-22. Review status: criteria provided, single submitter. Criteria: ACMG Guidelines, 2015. Collection method: clinical testing. Allele origin: germline. Observed: 1 variant allele.

GeneDx
Classification: Likely benign. Last evaluated: 2020-10-12. Review status: criteria provided, single submitter. Criteria: GeneDx Variant Classification Process June 2021. Collection method: clinical testing. Allele origin: germline. Affected: yes.
Comment: This variant is associated with the following publications: (PMID: 31983221)

Ambry Genetics
Classification: Likely benign for Cardiovascular phenotype. Last evaluated: 2020-08-25. Review status: criteria provided, single submitter. Criteria: Ambry Variant Classification Scheme 2023. Collection method: clinical testing. Allele origin: germline.

CeGaT Center for Human Genetics Tuebingen
Classification: Uncertain significance. Last evaluated: 2019-12-01. Review status: criteria provided, single submitter. Criteria: CeGaT Center For Human Genetics Tuebingen Variant Classification Criteria Version 2. Collection method: clinical testing. Allele origin: germline. Affected: yes. Observed: 1 variant allele.

Fulgent Genetics
Classification: Uncertain significance for Tibial muscular dystrophy; Myopathy, myofibrillar, 9, with early respiratory failure; Dilated cardiomyopathy 1G; Autosomal recessive limb-girdle muscular dystrophy type 2J; Early-onset myopathy with fatal cardiomyopathy; Hypertrophic cardiomyopathy 9. Last evaluated: 2018-10-31. Review status: criteria provided, single submitter. Criteria: ACMG Guidelines, 2015. Collection method: clinical testing. Allele origin: unknown.

Labcorp Genetics (formerly Invitae), Labcorp
Classification: Uncertain significance for Dilated cardiomyopathy 1G; Autosomal recessive limb-girdle muscular dystrophy type 2J. Last evaluated: 2017-07-19. Review status: criteria provided, single submitter. Criteria: Invitae Variant Classification Sherloc (09022015). Collection method: clinical testing. Allele origin: germline.

Eurofins Ntd Llc (ga)
Classification: Uncertain significance. Last evaluated: 2016-06-14. Review status: criteria provided, single submitter. Criteria: EGL Classification Definitions 2015. Collection method: clinical testing. Allele origin: germline. Observed: 2 variant alleles, 2 heterozygotes.

Literature cited by the submitters: PubMed 24755471 (cited by Women's Health and Genetics/Laboratory Corporation of America, LabCorp); PubMed 31983221 (cited by Women's Health and Genetics/Laboratory Corporation of America, LabCorp).